The following is an entry in ClinVar:

NM_006662.3(SRCAP):c.1456G>C (p.Glu486Gln)

Gene: SRCAP (Snf2 related CREBBP activator protein; plus strand). Cytogenetic location: 16p11.2.
Variant type: single nucleotide variant.
Coding change: c.1456G>C on transcript NM_006662.3 (MANE Select); coding-DNA position 1456, G replaced by C.
Protein change: p.Glu486Gln; replaces glutamic acid 486 with glutamine.
Molecular consequence: missense variant.
Genome position (GRCh38, 1-based): chr16:30,711,708, G>C. VCF-style: chr16-30711708-G-C. GRCh37 (hg19) VCF-style: chr16-30723029-G-C.
Other names: short protein forms E486Q.
Identifiers: ClinVar variation 4744765 (VCV004744765.1).

ClinVar aggregate classification (germline): Uncertain significance (1 of 4 stars; one submission).

gnomAD v4.1: 2 of 1,613,822 alleles (0.00012%); highest among the groups gnomAD compares: Non-Finnish European, 0.00017%; no homozygotes.

Submission:

Labcorp Genetics (formerly Invitae), Labcorp
Classification: Uncertain significance. Last evaluated: 2025-02-10. Review status: criteria provided, single submitter. Criteria: Invitae Variant Classification Sherloc (09022015). Collection method: clinical testing. Allele origin: germline.
Comment: This sequence change replaces glutamic acid, which is acidic and polar, with glutamine, which is neutral and polar, at codon 486 of the SRCAP protein (p.Glu486Gln). This variant is not present in population databases (gnomAD no frequency). This variant has not been reported in the literature in individuals affected with SRCAP-related conditions. Invitae Evidence Modeling of protein sequence and biophysical properties (such as structural, functional, and spatial information, amino acid conservation, physicochemical variation, residue mobility, and thermodynamic stability) indicates that this missense variant is not expected to disrupt SRCAP protein function with a negative predictive value of 80%. In summary, the available evidence is currently insufficient to determine the role of this variant in disease. Therefore, it has been classified as a Variant of Uncertain Significance.